The following is an entry in ClinVar:

ClinVar aggregate classification (germline): Conflicting classifications of pathogenicity. Review status: criteria provided, conflicting classifications (1 of 4 stars). 2 submissions from 2 submitters: Uncertain significance (1); Likely benign (1). Last evaluated 2024-02-17.

Conditions:
Inborn genetic diseases. Identifiers: MedGen C0950123, MeSH D030342.

Allele frequency attached by ClinVar (database versions not stated): TOPMed 0.00002; gnomAD 0.00003 and 0.00004; gnomAD exomes 0.00003; ExAC 0.00004.
gnomAD v4.1: 16 of 1,602,426 alleles (0.001%); highest among the groups gnomAD compares: African/African-American, 0.0067%; no homozygotes.

Submissions (2):

Labcorp Genetics (formerly Invitae), Labcorp
Classification: Uncertain significance. Last evaluated: 2024-02-17. Review status: criteria provided, single submitter. Criteria: Invitae Variant Classification Sherloc (09022015). Collection method: clinical testing. Allele origin: germline.
Comment: This sequence change replaces alanine, which is neutral and non-polar, with valine, which is neutral and non-polar, at codon 1235 of the TRPM1 protein (p.Ala1235Val). This variant is present in population databases (rs757962189, gnomAD 0.02%). This variant has not been reported in the literature in individuals affected with TRPM1-related conditions. ClinVar contains an entry for this variant (Variation ID: 1433887). Advanced modeling of protein sequence and biophysical properties (such as structural, functional, and spatial information, amino acid conservation, physicochemical variation, residue mobility, and thermodynamic stability) performed at Invitae indicates that this missense variant is not expected to disrupt TRPM1 protein function with a negative predictive value of 95%. In summary, the available evidence is currently insufficient to determine the role of this variant in disease. Therefore, it has been classified as a Variant of Uncertain Significance.

Ambry Genetics
Classification: Likely benign for Inborn genetic diseases. Last evaluated: 2021-09-17. Review status: criteria provided, single submitter. Criteria: Ambry Variant Classification Scheme 2023. Collection method: clinical testing. Allele origin: germline.

NM_001252024.2(TRPM1):c.3770C>T (p.Ala1257Val)

Gene: TRPM1 (transient receptor potential cation channel subfamily M member 1; minus strand). Cytogenetic location: 15q13.3.
Variant type: single nucleotide variant.
Coding change: c.3770C>T on transcript NM_001252024.2 (MANE Select); coding-DNA position 3770, C replaced by T.
Protein change: p.Ala1257Val; replaces alanine 1257 with valine.
Molecular consequence: missense variant.
Genome position (GRCh38, 1-based): chr15:31,002,930, G>A on the plus strand (C>T on the coding strand, the complement: TRPM1 is on the minus strand). VCF-style: chr15-31002930-G-A. GRCh37 (hg19) VCF-style: chr15-31295133-G-A.
Other names: c.3704C>T (NM_002420.4); c.3821C>T, p.Ala1274Val (NM_001252020.2); c.3704C>T, p.Ala1235Val (NM_002420.6); short protein forms A1235V, A1274V, A1257V.
Identifiers: ClinVar variation 1433887 (VCV001433887.8), dbSNP rs757962189, ClinGen allele CA7451771.